The following is an entry in ClinVar:

ClinVar aggregate classification (germline): Uncertain significance. Review status: criteria provided, single submitter (1 of 4 stars). 2 submissions from 2 submitters: Uncertain significance (1). 1 of the submissions does not count toward it. Last evaluated 2026-01-04.

Conditions:
Duchenne muscular dystrophy (DMD). Also called: Duchenne Muscular Dystrophy (DMD); MUSCULAR DYSTROPHY, PSEUDOHYPERTROPHIC PROGRESSIVE, DUCHENNE TYPE. Identifiers: Orphanet 98896, MedGen C0013264, MONDO:0010679, OMIM 310200.
Cardiomyopathy (CMYO). Also called: Cardiomyopathies. Identifiers: Orphanet 167848, MedGen C0878544, MONDO:0004994, HP:0001638. Inheritance: Various modes of inheritance.
Dystrophin deficiency.
Becker muscular dystrophy (BMD). Also called: MUSCULAR DYSTROPHY, PSEUDOHYPERTROPHIC PROGRESSIVE, BECKER TYPE; Becker Muscular Dystrophy (BMD). Identifiers: Orphanet 98895, MedGen C0917713, MONDO:0010311, OMIM 300376.

Submissions (2):

Labcorp Genetics (formerly Invitae), Labcorp
Classification: Uncertain significance for Duchenne muscular dystrophy. Last evaluated: 2026-01-04. Review status: criteria provided, single submitter. Criteria: Invitae Variant Classification Sherloc (09022015). Collection method: clinical testing. Allele origin: germline.
Comment: This sequence change replaces asparagine, which is neutral and polar, with threonine, which is neutral and polar, at codon 1503 of the DMD protein (p.Asn1503Thr). This variant is not present in population databases (gnomAD no frequency). This variant has not been reported in the literature in individuals affected with DMD-related conditions. ClinVar contains an entry for this variant (Variation ID: 940127). Invitae Evidence Modeling of protein sequence and biophysical properties (such as structural, functional, and spatial information, amino acid conservation, physicochemical variation, residue mobility, and thermodynamic stability) indicates that this missense variant is not expected to disrupt DMD protein function with a negative predictive value of 95%. In summary, the available evidence is currently insufficient to determine the role of this variant in disease. Therefore, it has been classified as a Variant of Uncertain Significance.

Natera, Inc.
Classification: Uncertain significance for Becker muscular dystrophy; Cardiomyopathy; Duchenne muscular dystrophy; Dystrophin deficiency. Last evaluated: 2020-04-13. Review status: no assertion criteria provided. Collection method: clinical testing. Allele origin: germline. Not counted in ClinVar's aggregate classification.

NM_004006.3(DMD):c.4508A>C (p.Asn1503Thr)

Gene: DMD (dystrophin; minus strand). Cytogenetic location: Xp21.1.
Variant type: single nucleotide variant.
Coding change: c.4508A>C on transcript NM_004006.3 (MANE Select); coding-DNA position 4508, A replaced by C.
Protein change: p.Asn1503Thr; replaces asparagine 1503 with threonine.
Molecular consequence: missense variant.
Genome position (GRCh38, 1-based): chrX:32,389,511, T>G on the plus strand (A>C on the coding strand, the complement: DMD is on the minus strand). VCF-style: chrX-32389511-T-G. GRCh37 (hg19) VCF-style: chrX-32407628-T-G.
Other names: c.4484A>C, p.Asn1495Thr (NM_000109.4); c.4496A>C, p.Asn1499Thr (NM_004009.3); c.4139A>C, p.Asn1380Thr (NM_004010.3); c.485A>C, p.Asn162Thr (NM_004011.4); c.476A>C, p.Asn159Thr (NM_004012.4); short protein forms N1503T, N159T, N162T, N1380T, N1499T, N1495T.
Identifiers: ClinVar variation 940127 (VCV000940127.11), dbSNP rs2097985832, ClinGen allele CA412662951.